The following is an entry in ClinVar:

NM_000395.3(CSF2RB):c.3G>C (p.Met1Ile)

Gene: CSF2RB (colony stimulating factor 2 receptor subunit beta; plus strand). Cytogenetic location: 22q12.3.
Variant type: single nucleotide variant.
Coding change: c.3G>C on transcript NM_000395.3 (MANE Select); coding-DNA position 3, G replaced by C.
Protein change: p.Met1Ile; changes the start codon (methionine 1).
Molecular consequence: missense variant, initiator codon variant.
Genome position (GRCh38, 1-based): chr22:36,922,210, G>C. VCF-style: chr22-36922210-G-C. GRCh37 (hg19) VCF-style: chr22-37318252-G-C.
Other names: c.3G>C, p.Met1Ile (NM_001410827.1); short protein forms M1I.
Identifiers: ClinVar variation 3672176 (VCV003672176.2).

ClinVar aggregate classification (germline): Uncertain significance (1 of 4 stars; one submission).

Submission:

Labcorp Genetics (formerly Invitae), Labcorp
Classification: Uncertain significance. Last evaluated: 2024-11-02. Review status: criteria provided, single submitter. Criteria: Invitae Variant Classification Sherloc (09022015). Collection method: clinical testing. Allele origin: germline.
Comment: This sequence change affects the initiator methionine of the CSF2RB mRNA. The next in-frame methionine is located at codon 10. This variant is not present in population databases (gnomAD no frequency). This variant has not been reported in the literature in individuals affected with CSF2RB-related conditions. Experimental studies and prediction algorithms are not available or were not evaluated, and the functional significance of this variant is currently unknown. In summary, the available evidence is currently insufficient to determine the role of this variant in disease. Therefore, it has been classified as a Variant of Uncertain Significance.